The following is an entry in ClinVar:

ClinVar aggregate classification (germline): Conflicting classifications of pathogenicity. Review status: criteria provided, conflicting classifications (1 of 4 stars). 12 submissions from 12 submitters: Pathogenic (8); Uncertain significance (3). 1 of the submissions does not count toward it. Last evaluated 2026-10-19.

Conditions:
RP1-related disorder. Also called: RP1-related condition.
RP1-related recessive retinopathy. Identifiers: MedGen CN322605, MONDO:0800399.
Retinal dystrophy. Also called: Inherited retinal dystrophy. Identifiers: Orphanet 71862, MedGen C0854723, MeSH D058499, MONDO:0019118, HP:0000556.
Retinitis pigmentosa (RP). Identifiers: Orphanet 791, MedGen C0035334, MeSH D012174, MONDO:0019200, OMIM 268000. Inheritance: Autosomal dominant, autosomal recessive and X linked inheritance.
Retinitis pigmentosa 1 (RP1). Identifiers: Orphanet 791, MedGen C0220701, MONDO:0008377, OMIM 180100.

Allele frequency attached by ClinVar (database versions not stated): gnomAD exomes 0.00018; TOPMed 0.00009; gnomAD 0.00013 and 0.00008; 1000 Genomes Project 30x 0.00031; 1000 Genomes Project 0.00040; ExAC 0.00013.
gnomAD v4.1: 237 of 1,613,452 alleles (0.015%); highest among the groups gnomAD compares: East Asian, 0.48%; no homozygotes.

Submissions 1 to 9 of 12:

Department of Ophthalmology, Seoul National University Bundang Hospital
Classification: Pathogenic for RP1-related recessive retinopathy. Last evaluated: 2026-10-19. Review status: criteria provided, single submitter. Criteria: ACMG Guidelines, 2015. Collection method: clinical testing. Allele origin: germline. Inheritance: Autosomal recessive inheritance. Affected: yes.
Comment: Nonsense variant in exon 4, regarded as a hypomorphic allele. Identified in a Korean multicenter RP1 cohort (PMID:42847597) with recessive macular dystrophy, cone dystrophy, cone-rod dystrophy and retinitis pigmentosa. ACMG/AMP criteria: PVS1, PM3, PM2, PP1. Previously reported by Verbakel et al., 2019 (PMID:30913292); Nikopoulos et al., 2019 (PMID:31253780); Baum et al., 2001 (PMID:11317367); Zhang et al., 2002 (PMID:12901510); Kawamura et al., 2004 (PMID:15183808).

PreventionGenetics, part of Exact Sciences
Classification: Pathogenic for RP1-related condition. Last evaluated: 2026-06-20. Review status: criteria provided, single submitter. Criteria: ACMG Guidelines, 2015. Collection method: clinical testing. Allele origin: germline.
Comment: The RP1 c.5797C>T variant is predicted to result in premature protein termination (p.Arg1933*). This variant has been reported in the compound heterozygous, apparently homozygous, or heterozygous state with or without a second RP1 allele in individuals with RP1-related disease (see for example: Li et al. 2018. PubMed ID: 29425069; Table S1, Maeda et al. 2018. PubMed ID: 29785639; Table S3 and Table S5, Suga et al. 2022. PubMed ID: 36284460; Table S4, Panneman et al. 2023. PubMed ID: 36819107; Fujinami et al. 2016. PubMed ID: 27623337; Supplementary Data 1, Chen et al. 2021. PubMed ID: 33608557; Table S2, Liu et al. 2020. PubMed ID: 33090715). This variant has also been reported in the compound heterozygous state with another truncating variant in 3 related individuals with RP1-related disease (Verbakel et al. 2019. PubMed ID: 30913292); however, in another study, this variant did not segregate in the heterozygous state, suggesting that this variant likely contributes to autosomal recessive but not autosomal dominant disease (Baum et al. 2001. PubMed ID: 11317367). This variant has also been identified in control individuals without retinitis pigmentosa (heterozygous, Baum et al. 2001. PubMed ID: 11317367; zygosity unknown, Yeung et al. 2001. PubMed ID: 11694261). This variant is reported in 0.21% of alleles in individuals of East Asian descent in gnomAD, which may be too frequent to be a primary cause of autosomal dominant disease. This variant has interpretations ranging from uncertain significance to pathogenic in ClinVar. Nonsense variants in RP1 are expected to be pathogenic. This variant is interpreted as pathogenic for autosomal recessive RP1-related disease. Although we suspect that this variant may be benign for autosomal dominant related disease, at this time, the clinical significance of this variant is uncertain for autosomal dominant RP1-related disease due to the absence of conclusive functional and genetic evidence.

GeneDx
Classification: Pathogenic. Last evaluated: 2026-02-05. Review status: criteria provided, single submitter. Criteria: GeneDx Variant Classification Process June 2021. Collection method: clinical testing. Allele origin: germline. Affected: yes.
Comment: Nonsense variant in the C-terminus predicted to result in protein truncation, as the last 224 amino acids are lost, and other loss-of-function variants have been reported downstream in the Human Gene Mutation Database (HGMD); This variant is associated with the following publications: (PMID: 27623337, 29425069, 11317367, 11694261, 15994872, 18450588, 22321012, 12901510, 12048676, 31253780, 16085945, 11857735, 31054281, 15183808, 31980526, 34183725, 33090715, 33681214, 34073704, 33946315, 33691693, 34721897, 33608557, 31964843, 33057194, 36819107, 36284460, 35982159, 29785639, 38091967, 39451534, 39087930, 30913292)

3billion
Classification: Pathogenic for Retinitis pigmentosa 1. Last evaluated: 2026-01-22. Review status: criteria provided, single submitter. Criteria: ACMG Guidelines, 2015. Collection method: clinical testing. Allele origin: germline. Affected: yes.
Comment: The variant is observed at an extremely low frequency in the gnomAD v4.1.0 dataset (total allele frequency: 0.015%). Predicted Consequence/Location: Stop-gained (nonsense): predicted to result in a loss or disruption of normal protein function through protein truncation. Multiple pathogenic variants are reported in the predicted truncated region. The variant has been reported to be in trans with a pathogenic variant as either compound heterozygous or homozygous in at least one similarly affected unrelated individual (3billion dataset). The variant has been reported at least twice as pathogenic with clinical assertions and evidence for the classification (ClinVar ID: VCV000143136 /3billion dataset). Therefore, this variant is classified as Pathogenic according to the recommendation of ACMG/AMP guideline.

Labcorp Genetics (formerly Invitae), Labcorp
Classification: Pathogenic. Last evaluated: 2025-01-15. Review status: criteria provided, single submitter. Criteria: Invitae Variant Classification Sherloc (09022015). Collection method: clinical testing. Allele origin: germline.
Comment: This sequence change creates a premature translational stop signal (p.Arg1933*) in the RP1 gene. While this is not anticipated to result in nonsense mediated decay, it is expected to disrupt the last 224 amino acid(s) of the RP1 protein. This variant is present in population databases (rs118031911, gnomAD 0.2%). This premature translational stop signal has been observed in individual(s) with autosomal recessive retinitis pigmentosa (PMID: 29425069, 30913292, 31253780). In at least one individual the data is consistent with being in trans (on the opposite chromosome) from a pathogenic variant. It has also been observed to segregate with disease in related individuals. This premature translational stop signal has been observed to be homozygous, hemizygous or homoplasmic in an individual who did not have the expected clinical features for that genetic result (PMID: 31253780). ClinVar contains an entry for this variant (Variation ID: 143136). This variant disrupts the C-terminus of the RP1 protein. Many variants that disrupt this region have been reported in individuals with either autosomal dominant or autosomal recessive retinitis pigmentosa (PMID: 11527933, 19933189, 29425069, 30027431, 33681214). Therefore, variants that disrupt this region are expected to be disease-causing. For these reasons, this variant has been classified as Pathogenic.

Blueprint Genetics
Classification: Pathogenic for RP1-related disorders. Last evaluated: 2024-02-29. Review status: criteria provided, single submitter. Criteria: ACMG Guidelines, 2015. Collection method: clinical testing. Allele origin: germline. Affected: yes. Observed: 5 variant alleles.

Illumina Laboratory Services, Illumina
Classification: Uncertain significance for Retinitis pigmentosa 1. Last evaluated: 2024-02-14. Review status: criteria provided, single submitter. Criteria: ISL SNV Classification Criteria 03 February 2026. Collection method: clinical testing. Allele origin: unknown.
Comment: The RP1 c.5797C>T p.(Arg1933Ter) nonsense variant occurs in the last exon of the gene and the resulting transcript may escape nonsense-mediated mRNA decay. This variant has been identified in trans with a likely pathogenic or pathogenic variant in individuals with a phenotype consistent with retinitis pigmentosa (PMID: 29425069; 30913292; 34073704). This variant has also been observed to segregate with disease in at least two families in the literature (PMID: 30913292; 15183808). The highest frequency of this allele in the Genome Aggregation Database is 0.004769 in the East Asian population (version 4.0.0). Based on the available evidence, the RP1 c.5797C>T p.(Arg1933Ter) variant is classified as a variant of uncertain significance for autosomal recessive retinitis pigmentosa.

Dept Of Ophthalmology, Nagoya University
Classification: Pathogenic for Retinal dystrophy. Last evaluated: 2023-10-01. Review status: criteria provided, single submitter. Criteria: Submitter's publication. Collection method: research. Allele origin: germline. Affected: yes.

Institute of Human Genetics, Univ. Regensburg, Univ. Regensburg
Classification: Uncertain significance for Retinal dystrophy. Last evaluated: 2019-01-01. Review status: criteria provided, single submitter. Criteria: ACMG Guidelines, 2015. Collection method: clinical testing. Allele origin: germline. Affected: yes.

NM_006269.2(RP1):c.5797C>T (p.Arg1933Ter)

Genes: RP1 (RP1 axonemal microtubule associated; plus strand), LOC126860392 (CDK7 strongly-dependent group 2 enhancer GRCh37_chr8:55541319-55542518; plus strand). Cytogenetic location: 8q12.1.
Variant type: single nucleotide variant.
Coding change: c.5797C>T on transcript NM_006269.2 (MANE Select); coding-DNA position 5797, C replaced by T.
Protein change: p.Arg1933Ter; replaces arginine 1933 with a stop codon.
Molecular consequence: nonsense.
Genome position (GRCh38, 1-based): chr8:54,629,679, C>T. VCF-style: chr8-54629679-C-T. GRCh37 (hg19) VCF-style: chr8-55542239-C-T.
Other names: p.Arg1933*; short protein forms R1933*.
Identifiers: ClinVar variation 143136 (VCV000143136.32), dbSNP rs118031911, ClinGen allele CA270095.